The following is an entry in ClinVar:

ClinVar aggregate classification (germline): Uncertain significance (1 of 4 stars; one submission).

Submission:

GeneDx
Classification: Uncertain significance. Last evaluated: 2024-05-20. Review status: criteria provided, single submitter. Criteria: GeneDx Variant Classification Process June 2021. Collection method: clinical testing. Allele origin: germline. Affected: yes.
Comment: Stop codon loss and change to a Asp codon, leading to protein extension and the addition of 53 amino acids at the C-terminus; Has not been previously published as pathogenic or benign to our knowledge; Not observed at significant frequency in large population cohorts (gnomAD)

NM_001134673.4(NFIA):c.*57delinsGACCCCTTCTC

Gene: NFIA (nuclear factor I A; plus strand). Cytogenetic location: 1p31.3.
Variant type: Indel.
Coding change: c.*57delinsGACCCCTTCTC on transcript NM_001134673.4 (MANE Select); 57 bases downstream of the stop codon, T replaced by GACCCCTTCTC.
Molecular consequence: 3 prime UTR variant. On other transcripts: frameshift variant (1), stop lost (1).
Genome position (GRCh38, 1-based): chr1:61,455,377, T replaced by GACCCCTTCTC. VCF-style: chr1-61455377-T-GACCCCTTCTC. GRCh37 (hg19) VCF-style: chr1-61921049-T-GACCCCTTCTC.
Other names: c.*57delinsGACCCCTTCTC (NM_001145511.2, NM_001145512.2); c.1495delinsGACCCCTTCTC, p.Ter499AspextTer? (NM_005595.5).
Identifiers: ClinVar variation 3381650 (VCV003381650.1).